The following is an entry in ClinVar:

NM_001127178.3(PIGG):c.2536C>T (p.His846Tyr)

Gene: PIGG (phosphatidylinositol glycan anchor biosynthesis class G (EMM blood group); plus strand). Cytogenetic location: 4p16.3.
Variant type: single nucleotide variant.
Coding change: c.2536C>T on transcript NM_001127178.3 (MANE Select); coding-DNA position 2536, C replaced by T.
Protein change: p.His846Tyr; replaces histidine 846 with tyrosine.
Molecular consequence: missense variant. On other transcripts: non-coding transcript variant (6).
Genome position (GRCh38, 1-based): chr4:530,710, C>T. VCF-style: chr4-530710-C-T. GRCh37 (hg19) VCF-style: chr4-524499-C-T.
Other names: c.2269C>T, p.His757Tyr (NM_001289051.2, NM_001345986.2); c.2137C>T, p.His713Tyr (NM_001289052.2); c.2245C>T, p.His749Tyr (NM_001345987.2); c.1507C>T, p.His503Tyr (NM_001345988.2); c.1003C>T, p.His335Tyr (NM_001345990.2, NM_001345991.2); c.1438C>T, p.His480Tyr (NM_001345994.2); c.2512C>T, p.His838Tyr (NM_017733.5); short protein forms H335Y, H480Y, H503Y, H713Y, H749Y, H757Y, H838Y, H846Y.
Identifiers: ClinVar variation 999160 (VCV000999160.7), dbSNP rs368126393, ClinGen allele CA2793652.

ClinVar aggregate classification (germline): Uncertain significance. Review status: criteria provided, multiple submitters, no conflicts (2 of 4 stars). 3 submissions from 3 submitters: Uncertain significance (3). Last evaluated 2023-12-21.

Conditions:
Intellectual disability, autosomal recessive 53 (NEDHSCA). Also called: GLYCOSYLPHOSPHATIDYLINOSITOL BIOSYNTHESIS DEFECT 13; Mental retardation, autosomal recessive 53; NEURODEVELOPMENTAL DISORDER WITH OR WITHOUT HYPOTONIA, SEIZURES, AND CEREBELLAR ATROPHY. Identifiers: Orphanet 488635, MedGen C4310794, MONDO:0014832, OMIM 616917.
Inborn genetic diseases. Identifiers: MedGen C0950123, MeSH D030342.

Allele frequency attached by ClinVar (database versions not stated): gnomAD 0.00003; gnomAD exomes 0.00003 and 0.00004; ExAC 0.00004; TOPMed 0.00004; ESP Exome Variant Server 0.00015.
gnomAD v4.1: 50 of 1,612,892 alleles (0.0031%); highest among the groups gnomAD compares: Middle Eastern, 0.016%; no homozygotes.

Submissions (3):

Labcorp Genetics (formerly Invitae), Labcorp
Classification: Uncertain significance for Intellectual disability, autosomal recessive 53. Last evaluated: 2023-12-21. Review status: criteria provided, single submitter. Criteria: Invitae Variant Classification Sherloc (09022015). Collection method: clinical testing. Allele origin: germline.
Comment: This sequence change replaces histidine, which is basic and polar, with tyrosine, which is neutral and polar, at codon 846 of the PIGG protein (p.His846Tyr). This variant is present in population databases (rs368126393, gnomAD 0.008%). This variant has not been reported in the literature in individuals affected with PIGG-related conditions. ClinVar contains an entry for this variant (Variation ID: 999160). Advanced modeling of protein sequence and biophysical properties (such as structural, functional, and spatial information, amino acid conservation, physicochemical variation, residue mobility, and thermodynamic stability) performed at Invitae indicates that this missense variant is not expected to disrupt PIGG protein function with a negative predictive value of 80%. In summary, the available evidence is currently insufficient to determine the role of this variant in disease. Therefore, it has been classified as a Variant of Uncertain Significance.

Ambry Genetics
Classification: Uncertain significance for Inborn genetic diseases. Last evaluated: 2023-04-25. Review status: criteria provided, single submitter. Criteria: Ambry Variant Classification Scheme 2023. Collection method: clinical testing. Allele origin: germline.

Baylor Genetics
Classification: Uncertain significance for Intellectual disability, autosomal recessive 53. Last evaluated: 2018-01-18. Review status: criteria provided, single submitter. Criteria: ACMG Guidelines, 2015. Collection method: clinical testing. Allele origin: maternal. Affected: yes.
Comment: This variant was determined to be of uncertain significance according to ACMG Guidelines, 2015 [PMID:25741868].